The following is an entry in ClinVar:

ClinVar aggregate classification (germline): Pathogenic (1 of 4 stars; one submission).

Submission:

Labcorp Genetics (formerly Invitae), Labcorp
Classification: Pathogenic. Last evaluated: 2022-10-28. Review status: criteria provided, single submitter. Criteria: Invitae Variant Classification Sherloc (09022015). Collection method: clinical testing. Allele origin: germline.
Comment: This sequence change affects a donor splice site in intron 5 of the MLC1 gene. It is expected to disrupt RNA splicing. Variants that disrupt the donor or acceptor splice site typically lead to a loss of protein function (PMID: 16199547), and loss-of-function variants in MLC1 are known to be pathogenic (PMID: 11254442, 16470554, 24824219). This variant is not present in population databases (gnomAD no frequency). Disruption of this splice site has been observed in individuals with clinical features of megalencephalic leukoencephalopathy with subcortical cysts (PMID: 11935341, 32056211, 33084218; Invitae). Algorithms developed to predict the effect of sequence changes on RNA splicing suggest that this variant may disrupt the consensus splice site. For these reasons, this variant has been classified as Pathogenic.

Literature cited by the submitters: PubMed 16199547; PubMed 11254442; PubMed 16470554; PubMed 24824219; PubMed 11935341; PubMed 32056211; PubMed 33084218.

NM_015166.4(MLC1):c.423+2T>G

Gene: MLC1 (modulator of VRAC current 1; minus strand). Cytogenetic location: 22q13.33.
Variant type: single nucleotide variant.
Coding change: c.423+2T>G on transcript NM_015166.4 (MANE Select); the canonical splice donor site of the intron after coding-DNA position 423, T replaced by G.
Molecular consequence: splice donor variant. On other transcripts: intron variant (3).
Genome position (GRCh38, 1-based): chr22:50,079,916, A>C on the plus strand (T>G on the coding strand, the complement: MLC1 is on the minus strand). VCF-style: chr22-50079916-A-C. GRCh37 (hg19) VCF-style: chr22-50518345-A-C.
Other names: c.423+2T>G (NM_001376474.1, NM_001376475.1, NM_001376476.1 and 6 more transcripts); c.186+2T>G (NM_001376484.1); c.333+2T>G (NM_001376480.1); c.268-2414T>G (NM_001376482.1, NM_001376483.1); c.321+428T>G (NM_001376481.1).
Identifiers: ClinVar variation 2074979 (VCV002074979.4), dbSNP rs2518333393, ClinGen allele CA412110519.